The following is an entry in ClinVar:

NM_000370.3(TTPA):c.74del (p.Gln25fs)

Gene: TTPA (alpha tocopherol transfer protein; minus strand). Cytogenetic location: 8q12.3.
Variant type: Deletion.
Coding change: c.74del on transcript NM_000370.3 (MANE Select); coding-DNA position 74, one base deleted (A; older notation c.74delA).
Protein change: p.Gln25fs; shifts the reading frame from glutamine 25.
Molecular consequence: frameshift variant.
Genome position (GRCh38, 1-based): chr8:63,085,948, T deleted on the plus strand (A on the coding strand, the reverse complement: TTPA is on the minus strand). VCF-style (leftmost placement, unchanged base first): chr8-63085947-CT-C. GRCh37 (hg19) VCF-style: chr8-63998506-CT-C.
Other names: c.74delA, p.Gln25Argfs (NM_001413414.1, NM_001413415.1, NM_001413416.1 and 2 more transcripts); short protein forms Q25fs.
Identifiers: ClinVar variation 2044146 (VCV002044146.5), dbSNP rs2487201275, ClinGen allele CA2580078878.

ClinVar aggregate classification (germline): Pathogenic/Likely pathogenic. Review status: criteria provided, multiple submitters, no conflicts (2 of 4 stars). 2 submissions from 2 submitters: Pathogenic (1); Likely pathogenic (1). Last evaluated 2023-10-25.

Conditions:
Familial isolated deficiency of vitamin E (AVED). Also called: ATAXIA, FRIEDREICH-LIKE, WITH SELECTIVE VITAMIN E DEFICIENCY; Ataxia with isolated vitamin E deficiency. Identifiers: Orphanet 96, MedGen C1848533, MONDO:0010188, OMIM 277460.

Submissions (2):

Baylor Genetics
Classification: Likely pathogenic for Familial isolated deficiency of vitamin E. Last evaluated: 2023-10-25. Review status: criteria provided, single submitter. Criteria: ACMG Guidelines, 2015. Collection method: clinical testing. Allele origin: unknown.

Labcorp Genetics (formerly Invitae), Labcorp
Classification: Pathogenic. Last evaluated: 2022-06-26. Review status: criteria provided, single submitter. Criteria: Invitae Variant Classification Sherloc (09022015). Collection method: clinical testing. Allele origin: germline.
Comment: This variant is not present in population databases (gnomAD no frequency). This sequence change creates a premature translational stop signal (p.Gln25Argfs*46) in the TTPA gene. It is expected to result in an absent or disrupted protein product. Loss-of-function variants in TTPA are known to be pathogenic (PMID: 9463307, 26068213). This variant has not been reported in the literature in individuals affected with TTPA-related conditions. For these reasons, this variant has been classified as Pathogenic.

Literature cited by the submitters: PubMed 9463307 (cited by Labcorp Genetics (formerly Invitae), Labcorp); PubMed 26068213 (cited by Labcorp Genetics (formerly Invitae), Labcorp).